The following is an entry in ClinVar:

NM_001082971.2(DDC):c.459G>C (p.Leu153=)

Gene: DDC (dopa decarboxylase; minus strand). Cytogenetic location: 7p12.1.
Variant type: single nucleotide variant.
Coding change: c.459G>C on transcript NM_001082971.2 (MANE Select); coding-DNA position 459, G replaced by C.
Protein change: p.Leu153=; no amino-acid change (leucine 153 retained).
Molecular consequence: synonymous variant. On other transcripts: intron variant (1).
Genome position (GRCh38, 1-based): chr7:50,529,319, C>G on the plus strand (G>C on the coding strand, the complement: DDC is on the minus strand). VCF-style: chr7-50529319-C-G. GRCh37 (hg19) VCF-style: chr7-50597017-C-G.
Other names: c.459G>C, p.Leu153= (NM_000790.4, NM_001242887.2, NM_001242890.2); c.345G>C, p.Leu115= (NM_001242886.2); c.225G>C, p.Leu75= (NM_001242888.2); c.435+8541G>C (NM_001242889.2); c.459G>C (NM_000790.3).
Identifiers: ClinVar variation 1140190 (VCV001140190.10), dbSNP rs780705506, ClinGen allele CA454937569.
Genomic context (GRCh38, chr7:50,529,319, plus strand): 5'-CTCTGGGGACGCTGCCTGCAGCCGATGGATCACTTTGGTCCGAGCGGCCAGCAGGGCCAC[C>G]AGGGTGGCTTCACTGGCACTTCCCTAAATTCAAGAGAAGGTCCAAATGAAATCCCAAACA-3'
Protein context (NP_001076440.2, residues 143-163): VIQGSASEAT[Leu153=]VALLAARTKV

ClinVar aggregate classification (germline): Likely benign. Review status: criteria provided, single submitter (1 of 4 stars). 2 submissions from 2 submitters: Likely benign (1). 1 of the submissions does not count toward it. Last evaluated 2020-06-16.

Conditions:
DDC-related disorder. Also called: DDC-related condition.
Deficiency of aromatic-L-amino-acid decarboxylase. Also called: DDC DEFICIENCY; DOPA DECARBOXYLASE DEFICIENCY; Aromatic L-Amino Acid Decarboxylase Deficiency; Aromatic amino acid decarboxylase deficiency; AADC DEFICIENCY. Identifiers: Orphanet 35708, MedGen C1291564, MONDO:0012084, OMIM 608643.

gnomAD v4.1: 1 of 1,614,202 alleles (0.000062%); highest among the groups gnomAD compares: Non-Finnish European, 0.000085%; no homozygotes.

Submissions (2):

Labcorp Genetics (formerly Invitae), Labcorp
Classification: Likely benign for Deficiency of aromatic-L-amino-acid decarboxylase. Last evaluated: 2020-06-16. Review status: criteria provided, single submitter. Criteria: Invitae Variant Classification Sherloc (09022015). Collection method: clinical testing. Allele origin: germline.

PreventionGenetics, part of Exact Sciences
Classification: Likely benign for DDC-related condition. Last evaluated: 2019-07-30. Review status: no assertion criteria provided. Collection method: clinical testing. Allele origin: germline. Not counted in ClinVar's aggregate classification.
Comment: This variant is classified as likely benign based on ACMG/AMP sequence variant interpretation guidelines (Richards et al. 2015 PMID: 25741868, with internal and published modifications).